The following is an entry in ClinVar:

NM_001079.4(ZAP70):c.46T>C (p.Ser16Pro)

Gene: ZAP70 (zeta chain of T cell receptor associated protein kinase 70; plus strand). Cytogenetic location: 2q11.2.
Variant type: single nucleotide variant.
Coding change: c.46T>C on transcript NM_001079.4 (MANE Select); coding-DNA position 46, T replaced by C.
Protein change: p.Ser16Pro; replaces serine 16 with proline.
Molecular consequence: missense variant.
Genome position (GRCh38, 1-based): chr2:97,724,082, T>C. VCF-style: chr2-97724082-T-C. GRCh37 (hg19) VCF-style: chr2-98340545-T-C.
Other names: c.46T>C, p.Ser16Pro (NM_001378594.1); short protein forms S16P.
Identifiers: ClinVar variation 1054721 (VCV001054721.7), dbSNP rs2104661000, ClinGen allele CA347787230.
Genomic context (GRCh38, chr2:97,724,082, plus strand): 5'-GGAGGCCCAGGGGCGATGCCAGACCCCGCGGCGCACCTGCCCTTCTTCTACGGCAGCATC[T>C]CGCGTGCCGAGGCCGAGGAGCACCTGAAGCTGGCGGGCATGGCGGACGGGCTCTTCCTGC-3'
Protein context (NP_001070.2, residues 6-26): AHLPFFYGSI[Ser16Pro]RAEAEEHLKL

ClinVar aggregate classification (germline): Uncertain significance (1 of 4 stars; one submission).

Conditions:
Combined immunodeficiency due to ZAP70 deficiency (IMD48). Also called: Immunodeficiency 48; ZAP70 Deficiency. Identifiers: Orphanet 911, MedGen C2931299, MONDO:0010023, OMIM 269840.

Submission:

Labcorp Genetics (formerly Invitae), Labcorp
Classification: Uncertain significance for Combined immunodeficiency due to ZAP70 deficiency. Last evaluated: 2020-06-26. Review status: criteria provided, single submitter. Criteria: Invitae Variant Classification Sherloc (09022015). Collection method: clinical testing. Allele origin: germline.
Comment: Algorithms developed to predict the effect of missense changes on protein structure and function are either unavailable or do not agree on the potential impact of this missense change (SIFT: "Deleterious"; PolyPhen-2: "Probably Damaging"; Align-GVGD: "Class C0"). In summary, the available evidence is currently insufficient to determine the role of this variant in disease. Therefore, it has been classified as a Variant of Uncertain Significance. This variant has not been reported in the literature in individuals with ZAP70-related conditions. The frequency data for this variant in the population databases is considered unreliable, as metrics indicate insufficient coverage at this position in the ExAC database. This sequence change replaces serine with proline at codon 16 of the ZAP70 protein (p.Ser16Pro). The serine residue is moderately conserved and there is a moderate physicochemical difference between serine and proline.